The following is an entry in ClinVar:

ClinVar aggregate classification (germline): Uncertain significance (1 of 4 stars; one submission).

Submission:

Women's Health and Genetics/Laboratory Corporation of America, LabCorp
Classification: Uncertain significance. Last evaluated: 2026-03-04. Review status: criteria provided, single submitter. Criteria: LabCorp Variant Classification Summary - May 2015. Collection method: clinical testing. Allele origin: germline.
Comment: Variant summary: AR c.2429C>T (p.Ala810Val) results in a non-conservative amino acid change in the encoded protein sequence. Algorithms developed to predict the effect of missense changes on protein structure and function all suggest that this variant is likely to be disruptive. The variant was absent in 182935 control chromosomes. The available data on variant occurrences in the general population are insufficient to allow any conclusion about variant significance. c.2429C>T has been observed in male(s) affected with infertility (e.g. Rocca_2023). These report(s) do not provide unequivocal conclusions about association of the variant with Androgen Resistance Syndrome. To our knowledge, no experimental evidence demonstrating an impact on protein function has been reported. The following publication has been ascertained in the context of this evaluation (PMID: 36394509). No submitters have cited clinical-significance assessments for this variant to ClinVar. Based on the evidence outlined above, the variant was classified as uncertain significance.

Literature cited by the submitters: PubMed 36394509.

NM_000044.6(AR):c.2429C>T (p.Ala810Val)

Gene: AR (androgen receptor; plus strand). Cytogenetic location: Xq12.
Variant type: single nucleotide variant.
Coding change: c.2429C>T on transcript NM_000044.6 (MANE Select); coding-DNA position 2429, C replaced by T.
Protein change: p.Ala810Val; replaces alanine 810 with valine.
Molecular consequence: missense variant.
Genome position (GRCh38, 1-based): chrX:67,721,943, C>T. VCF-style: chrX-67721943-C-T. GRCh37 (hg19) VCF-style: chrX-66941785-C-T.
Other names: c.833C>T, p.Ala278Val (NM_001011645.3); short protein forms A278V, A810V.
Identifiers: ClinVar variation 4847481 (VCV004847481.1).